The following is an entry in ClinVar:

NM_005419.4(STAT2):c.1963A>C (p.Asn655His)

Gene: STAT2 (signal transducer and activator of transcription 2; minus strand). Cytogenetic location: 12q13.3.
Variant type: single nucleotide variant.
Coding change: c.1963A>C on transcript NM_005419.4 (MANE Select); coding-DNA position 1963, A replaced by C.
Protein change: p.Asn655His; replaces asparagine 655 with histidine.
Molecular consequence: missense variant.
Genome position (GRCh38, 1-based): chr12:56,346,523, T>G on the plus strand (A>C on the coding strand, the complement: STAT2 is on the minus strand). VCF-style: chr12-56346523-T-G. GRCh37 (hg19) VCF-style: chr12-56740307-T-G.
Other names: c.1930A>C, p.Asn644His (NM_001385110.1); c.1864A>C, p.Asn622His (NM_001385111.1); c.1963A>C, p.Asn655His (NM_001385113.1); c.1942A>C, p.Asn648His (NM_001385114.1); c.1921A>C, p.Asn641His (NM_001385115.1); c.1951A>C, p.Asn651His (NM_198332.2); short protein forms N622H, N641H, N648H, N655H, N644H, N651H.
Identifiers: ClinVar variation 1364927 (VCV001364927.8), dbSNP rs2136043124, ClinGen allele CA385259666.

ClinVar aggregate classification (germline): Uncertain significance (1 of 4 stars; one submission).

Conditions:
Primary immunodeficiency with post-measles-mumps-rubella vaccine viral infection. Also called: Immunodeficiency 44. Identifiers: Orphanet 431166, MedGen C4225260, MONDO:0014715, OMIM 616636.

Submission:

Labcorp Genetics (formerly Invitae), Labcorp
Classification: Uncertain significance for Primary immunodeficiency with post-measles-mumps-rubella vaccine viral infection. Last evaluated: 2021-06-30. Review status: criteria provided, single submitter. Criteria: Invitae Variant Classification Sherloc (09022015). Collection method: clinical testing. Allele origin: germline.
Comment: This sequence change replaces asparagine with histidine at codon 655 of the STAT2 protein (p.Asn655His). The asparagine residue is highly conserved and there is a small physicochemical difference between asparagine and histidine. This variant is not present in population databases (ExAC no frequency). This variant has not been reported in the literature in individuals affected with STAT2-related conditions. Advanced modeling of protein sequence and biophysical properties (such as structural, functional, and spatial information, amino acid conservation, physicochemical variation, residue mobility, and thermodynamic stability) performed at Invitae indicates that this missense variant is expected to disrupt STAT2 protein function. In summary, the available evidence is currently insufficient to determine the role of this variant in disease. Therefore, it has been classified as a Variant of Uncertain Significance.